The following is an entry in ClinVar:

ClinVar aggregate classification (germline): Benign. Review status: criteria provided, multiple submitters, no conflicts (2 of 4 stars). 4 submissions from 4 submitters: Benign (4). Last evaluated 2026-02-04.

Allele frequency attached by ClinVar (database versions not stated): gnomAD exomes 0.06932 and 0.10283; ExAC 0.10561; ESP Exome Variant Server 0.18845; gnomAD 0.18850 and 0.19755; TOPMed 0.20409; 1000 Genomes Project 0.21166; 1000 Genomes Project 30x 0.21674.
gnomAD v4.1: 130,703 of 1,612,010 alleles (8.1%); highest among the groups gnomAD compares: African/African-American, 49%; 12,886 homozygotes.

Submissions (4):

Labcorp Genetics (formerly Invitae), Labcorp
Classification: Benign. Last evaluated: 2026-02-04. Review status: criteria provided, single submitter. Criteria: Invitae Variant Classification Sherloc (09022015). Collection method: clinical testing. Allele origin: germline.

Blueprint Genetics
Classification: Benign. Last evaluated: 2024-11-27. Review status: criteria provided, single submitter. Criteria: ACMG Guidelines, 2015. Collection method: clinical testing. Allele origin: germline.

GeneDx
Classification: Benign. Last evaluated: 2017-07-30. Review status: criteria provided, single submitter. Criteria: GeneDx Variant Classification (06012015). Collection method: clinical testing. Allele origin: germline. Affected: yes.
Comment: This variant is considered likely benign or benign based on one or more of the following criteria: it is a conservative change, it occurs at a poorly conserved position in the protein, it is predicted to be benign by multiple in silico algorithms, and/or has population frequency not consistent with disease.

Breakthrough Genomics
Classification: Benign. Review status: criteria provided, single submitter. Criteria: ACMG Guidelines, 2015. Collection method: not provided. Allele origin: germline. Inheritance: Autosomal recessive inheritance. Affected: yes.

NM_006129.5(BMP1):c.2576-17C>A

Gene: BMP1 (bone morphogenetic protein 1; plus strand). Cytogenetic location: 8p21.3.
Variant type: single nucleotide variant.
Coding change: c.2576-17C>A on transcript NM_006129.5 (MANE Select); 17 bases into the intron before coding-DNA position 2576, C replaced by A.
Molecular consequence: intron variant.
Genome position (GRCh38, 1-based): chr8:22,209,428, C>A. VCF-style: chr8-22209428-C-A. GRCh37 (hg19) VCF-style: chr8-22066941-C-A.
Identifiers: ClinVar variation 516231 (VCV000516231.11), dbSNP rs3892579, ClinGen allele CA4665314.
Genomic context (GRCh38, chr8:22,209,428, plus strand): 5'-CACGCCATGGCATAGTGTGCCATGGGGCCTGGCACCTGCGGTGCTCAGGGCTGGTTGGCC[C>A]CTCTTGTCCCCTACAGAGTGCGGGGGCCAGGTACGGGCAGACGTGAAGACCAAGGACCTT-3'